The following is an entry in ClinVar:

NM_005228.5(EGFR):c.3467A>C (p.His1156Pro)

Gene: EGFR (epidermal growth factor receptor; plus strand). Cytogenetic location: 7p11.2.
Variant type: single nucleotide variant.
Coding change: c.3467A>C on transcript NM_005228.5 (MANE Select); coding-DNA position 3467, A replaced by C.
Protein change: p.His1156Pro; replaces histidine 1156 with proline.
Molecular consequence: missense variant.
Genome position (GRCh38, 1-based): chr7:55,205,451, A>C. VCF-style: chr7-55205451-A-C. GRCh37 (hg19) VCF-style: chr7-55273144-A-C.
Other names: c.3332A>C, p.His1111Pro (NM_001346899.2); c.3308A>C, p.His1103Pro (NM_001346900.2); c.2666A>C, p.His889Pro (NM_001346941.2); c.3467A>C (NM_005228.4); short protein forms H1156P, H1103P, H1111P, H889P.
Identifiers: ClinVar variation 134030 (VCV000134030.17), dbSNP rs149174093, ClinGen allele CA158468.
Genomic context (GRCh38, chr7:55,205,451, plus strand): 5'-CCGAGTATCTCAACACTGTCCAGCCCACCTGTGTCAACAGCACATTCGACAGCCCTGCCC[A>C]CTGGGCCCAGAAAGGCAGCCACCAAATTAGCCTGGACAACCCTGACTACCAGCAGGACTT-3'
Protein context (NP_005219.2, residues 1146-1166): CVNSTFDSPA[His1156Pro]WAQKGSHQIS

ClinVar aggregate classification (germline): Conflicting classifications of pathogenicity. Review status: criteria provided, conflicting classifications (1 of 4 stars). 7 submissions from 7 submitters: Uncertain significance (2); Benign (1); Likely benign (2). 2 of the submissions do not count toward it. Last evaluated 2026-02-04.

Conditions:
Hereditary cancer-predisposing syndrome. Also called: Tumor predisposition; Hereditary neoplastic syndrome; Neoplastic Syndromes, Hereditary; Hereditary Cancer Syndrome. Identifiers: Orphanet 140162, MedGen C0027672, MeSH D009386, MONDO:0015356.
Hereditary cancer. Identifiers: MedGen C1333600.
EGFR-related lung cancer (EGFR). Identifiers: MedGen CN130014.

Allele frequency attached by ClinVar (database versions not stated): gnomAD exomes 0.00004 and 0.00010; ExAC 0.00018; 1000 Genomes Project 30x 0.00047; TOPMed 0.00057; 1000 Genomes Project 0.00060; gnomAD 0.00060 and 0.00062; ESP Exome Variant Server 0.00062.
gnomAD v4.1: 157 of 1,614,150 alleles (0.0097%); highest among the groups gnomAD compares: African/African-American, 0.19%; 2 homozygotes.

Submissions (7):

Labcorp Genetics (formerly Invitae), Labcorp
Classification: Likely benign for EGFR-related lung cancer. Last evaluated: 2026-02-04. Review status: criteria provided, single submitter. Criteria: Invitae Variant Classification Sherloc (09022015). Collection method: clinical testing. Allele origin: germline.

Revvity Omics, Revvity
Classification: Uncertain significance. Last evaluated: 2025-06-17. Review status: criteria provided, single submitter. Criteria: ACMG Guidelines, 2015. Collection method: clinical testing. Allele origin: germline.

Ambry Genetics
Classification: Benign for Hereditary cancer-predisposing syndrome. Last evaluated: 2024-08-23. Review status: criteria provided, single submitter. Criteria: Ambry Variant Classification Scheme 2023. Collection method: clinical testing. Allele origin: germline.

Mendelics
Classification: Likely benign for Hereditary cancer. Last evaluated: 2024-01-23. Review status: criteria provided, single submitter. Criteria: ACMG Guidelines, 2015. Collection method: clinical testing. Allele origin: unknown.

Sema4
Classification: Uncertain significance for Hereditary cancer-predisposing syndrome. Last evaluated: 2021-11-15. Review status: criteria provided, single submitter. Criteria: Sema4 Curation Guidelines. Collection method: curation. Allele origin: germline.
Comment: The EGFR c.3467A>C (p.H1156P) variant has been reported in an individual from a healthy cohort (PMID: 24728327). This variant was observed in 46/24922 chromosomes in the African/African American population according to the Genome Aggregation Database (PMID: 32461654). This variant has been reported in ClinVar (Variation ID 134030). Functional studies have not been performed, and in silico predictions of the variant's effect on protein function are inconclusive. The overall evidence is insufficient to meet ACMG/AMP criteria for classifying it as benign or pathogenic. In summary, the clinical significance of this variant is currently uncertain.

Genetic Services Laboratory, University of Chicago
Classification: Uncertain significance. Last evaluated: 2022-06-20. Review status: no assertion criteria provided. Collection method: clinical testing. Allele origin: germline. Affected: no. Not counted in ClinVar's aggregate classification.
Comment: DNA sequence analysis of the EGFR gene demonstrated a sequence change, c.3467A>C, in exon 28 that results in an amino acid change, p.His1156Pro. This sequence change does not appear to have been previously described in individuals with EGFR-related disorders. This sequence change has been described in the gnomAD database with a frequency of 0.18% in the African subpopulation (dbSNP rs149174093). The p.His1156Pro change affects a poorly conserved amino acid residue located in a domain of the EGFR protein that is known to be functional. The p.His1156Pro substitution appears to be benign using several in-silico pathogenicity prediction tools (SIFT, PolyPhen2, Align GVGD, REVEL). Due to insufficient evidences and the lack of functional studies, the clinical significance of the p.His1156Pro change remains unknown at this time.

ITMI
No classification provided. Condition: AllHighlyPenetrant. Last evaluated: 2013-09-19. Review status: no classification provided. Collection method: reference population. Allele origin: germline. Not counted in ClinVar's aggregate classification.
Comment: Please see associated publication for description of ethnicities

Literature cited by the submitters: PubMed 24728327 (cited by Sema4 and ITMI).